The following is an entry in ClinVar:

NM_001854.4(COL11A1):c.2267T>C (p.Ile756Thr)

Gene: COL11A1 (collagen type XI alpha 1 chain; minus strand). Cytogenetic location: 1p21.1.
Variant type: single nucleotide variant.
Coding change: c.2267T>C on transcript NM_001854.4 (MANE Select); coding-DNA position 2267, T replaced by C.
Protein change: p.Ile756Thr; replaces isoleucine 756 with threonine.
Molecular consequence: missense variant. On other transcripts: non-coding transcript variant (1).
Genome position (GRCh38, 1-based): chr1:102,996,017, A>G on the plus strand (T>C on the coding strand, the complement: COL11A1 is on the minus strand). VCF-style: chr1-102996017-A-G. GRCh37 (hg19) VCF-style: chr1-103461573-A-G.
Other names: c.1919T>C, p.Ile640Thr (NM_001168249.1, NM_080630.4); c.2150T>C, p.Ile717Thr (NM_001190709.2); c.2303T>C, p.Ile768Thr (NM_080629.3); short protein forms I640T, I717T, I756T, I768T.
Identifiers: ClinVar variation 2638948 (VCV002638948.26), dbSNP rs1372308202, ClinGen allele CA341169049.

ClinVar aggregate classification (germline): Uncertain significance. Review status: criteria provided, multiple submitters, no conflicts (2 of 4 stars). 2 submissions from 2 submitters: Uncertain significance (2). Last evaluated 2024-08-01.

Allele frequency attached by ClinVar (database versions not stated): gnomAD exomes below 0.00001; TOPMed below 0.00001; gnomAD 0.00001.
gnomAD v4.1: 4 of 1,613,254 alleles (0.00025%); highest among the groups gnomAD compares: South Asian, 0.0011%; no homozygotes.

Submissions (2):

Labcorp Genetics (formerly Invitae), Labcorp
Classification: Uncertain significance. Last evaluated: 2024-08-01. Review status: criteria provided, single submitter. Criteria: Invitae Variant Classification Sherloc (09022015). Collection method: clinical testing. Allele origin: germline.
Comment: This sequence change replaces isoleucine, which is neutral and non-polar, with threonine, which is neutral and polar, at codon 756 of the COL11A1 protein (p.Ile756Thr). This variant is not present in population databases (gnomAD no frequency). This variant has not been reported in the literature in individuals affected with COL11A1-related conditions. ClinVar contains an entry for this variant (Variation ID: 2638948). Advanced modeling of protein sequence and biophysical properties (such as structural, functional, and spatial information, amino acid conservation, physicochemical variation, residue mobility, and thermodynamic stability) performed at Invitae indicates that this missense variant is not expected to disrupt COL11A1 protein function with a negative predictive value of 95%. In summary, the available evidence is currently insufficient to determine the role of this variant in disease. Therefore, it has been classified as a Variant of Uncertain Significance.

CeGaT Center for Human Genetics Tuebingen
Classification: Uncertain significance. Last evaluated: 2022-04-01. Review status: criteria provided, single submitter. Criteria: CeGaT Center For Human Genetics Tuebingen Variant Classification Criteria Version 2. Collection method: clinical testing. Allele origin: germline. Affected: yes. Observed: 1 variant allele.